The following is an entry in ClinVar:

NM_001276345.2(TNNT2):c.364A>G (p.Asn122Asp)

Gene: TNNT2 (troponin T2, cardiac type; minus strand). Cytogenetic location: 1q32.1.
Variant type: single nucleotide variant.
Coding change: c.364A>G on transcript NM_001276345.2 (MANE Select); coding-DNA position 364, A replaced by G.
Protein change: p.Asn122Asp; replaces asparagine 122 with aspartic acid.
Molecular consequence: missense variant. On other transcripts: intron variant (1).
Genome position (GRCh38, 1-based): chr1:201,365,238, T>C on the plus strand (A>G on the coding strand, the complement: TNNT2 is on the minus strand). VCF-style: chr1-201365238-T-C. GRCh37 (hg19) VCF-style: chr1-201334366-T-C.
Other names: c.364A>G, p.Asn122Asp (NM_000364.4); c.334A>G, p.Asn112Asp (NM_001001430.3, NM_001001431.3, NM_001276347.2); c.319A>G, p.Asn107Asp (NM_001001432.3); c.291+372A>G (NM_001276346.2); short protein forms N122D, N112D, N107D.
Identifiers: ClinVar variation 537260 (VCV000537260.8), dbSNP rs1553282484, ClinGen allele CA344206346.

ClinVar aggregate classification (germline): Uncertain significance (1 of 4 stars; one submission).

Conditions:
Hypertrophic cardiomyopathy 2. Also called: TNNT2-Related Familial Hypertrophic Cardiomyopathy. Identifiers: MedGen C1861864, MONDO:0007266, OMIM 115195.
Cardiomyopathy, familial restrictive, 3. Identifiers: Orphanet 75249, MedGen C2676271, MONDO:0012900, OMIM 612422.
Dilated cardiomyopathy 1D. Identifiers: Orphanet 154, Orphanet 54260, MedGen C1832243, MONDO:0011095, OMIM 601494.

Submission:

Labcorp Genetics (formerly Invitae), Labcorp
Classification: Uncertain significance for Cardiomyopathy, familial restrictive, 3; Hypertrophic cardiomyopathy 2; Dilated cardiomyopathy 1D. Last evaluated: 2018-01-15. Review status: criteria provided, single submitter. Criteria: Invitae Variant Classification Sherloc (09022015). Collection method: clinical testing. Allele origin: germline.
Comment: This variant is not present in population databases (ExAC no frequency). This sequence change replaces asparagine with aspartic acid at codon 112 of the TNNT2 protein (p.Asn112Asp). The asparagine residue is moderately conserved and there is a small physicochemical difference between asparagine and aspartic acid. This variant has not been reported in the literature in individuals with TNNT2-related disease. In summary, the available evidence is currently insufficient to determine the role of this variant in disease. Therefore, it has been classified as a Variant of Uncertain Significance. Algorithms developed to predict the effect of missense changes on protein structure and function do not agree on the potential impact of this missense change (SIFT: "Tolerated"; PolyPhen-2: "Possibly Damaging"; Align-GVGD: "Class C0").